The following is an entry in ClinVar:

NM_153834.4(ADGRG4):c.4972A>G (p.Thr1658Ala)

Gene: ADGRG4 (adhesion G protein-coupled receptor G4; plus strand). Cytogenetic location: Xq26.3.
Variant type: single nucleotide variant.
Coding change: c.4972A>G on transcript NM_153834.4 (MANE Select); coding-DNA position 4972, A replaced by G.
Protein change: p.Thr1658Ala; replaces threonine 1658 with alanine.
Molecular consequence: missense variant.
Genome position (GRCh38, 1-based): chrX:136,348,678, A>G. VCF-style: chrX-136348678-A-G. GRCh37 (hg19) VCF-style: chrX-135430837-A-G.
Other names: short protein forms T1658A.
Identifiers: ClinVar variation 4994646 (VCV004994646.1).

ClinVar aggregate classification (germline): Uncertain significance (1 of 4 stars; one submission).

Conditions:
ADGRG4-related disorder. Also called: ADGRG4-related condition.

gnomAD v4.1: 1 of 1,207,303 alleles (0.000083%); highest among the groups gnomAD compares: African/African-American, 0.0018%; no homozygotes.

Submission:

PreventionGenetics, part of Exact Sciences
Classification: Uncertain significance for ADGRG4-related condition. Last evaluated: 2025-10-31. Review status: criteria provided, single submitter. Criteria: ACMG Guidelines, 2015. Collection method: clinical testing. Allele origin: germline.
Comment: The ADGRG4 c.4972A>G variant is predicted to result in the amino acid substitution p.Thr1658Ala. To our knowledge, this variant has not been reported in the literature. This variant is absent in a large population database (gnomAD), indicating this variant is rare. At this time, the clinical significance of this variant is uncertain due to the absence of conclusive functional and genetic evidence.